The following is an entry in ClinVar:

ClinVar aggregate classification (germline): Uncertain significance (1 of 4 stars; one submission).

gnomAD v4.1: 1 of 1,613,858 alleles (0.000062%); no homozygotes.

Submission:

Labcorp Genetics (formerly Invitae), Labcorp
Classification: Uncertain significance. Last evaluated: 2024-12-02. Review status: criteria provided, single submitter. Criteria: Invitae Variant Classification Sherloc (09022015). Collection method: clinical testing. Allele origin: germline.
Comment: This sequence change replaces valine, which is neutral and non-polar, with isoleucine, which is neutral and non-polar, at codon 563 of the MSH3 protein (p.Val563Ile). This variant is not present in population databases (gnomAD no frequency). This variant has not been reported in the literature in individuals affected with MSH3-related conditions. An algorithm developed to predict the effect of missense changes on protein structure and function (PolyPhen-2) suggests that this variant is likely to be tolerated. In summary, the available evidence is currently insufficient to determine the role of this variant in disease. Therefore, it has been classified as a Variant of Uncertain Significance.

NM_002439.5(MSH3):c.1687G>A (p.Val563Ile)

Gene: MSH3 (mutS homolog 3; plus strand). Cytogenetic location: 5q14.1.
Variant type: single nucleotide variant.
Coding change: c.1687G>A on transcript NM_002439.5 (MANE Select); coding-DNA position 1687, G replaced by A.
Protein change: p.Val563Ile; replaces valine 563 with isoleucine.
Molecular consequence: missense variant.
Genome position (GRCh38, 1-based): chr5:80,744,539, G>A. VCF-style: chr5-80744539-G-A. GRCh37 (hg19) VCF-style: chr5-80040358-G-A.
Other names: short protein forms V563I.
Identifiers: ClinVar variation 3725715 (VCV003725715.2).
Genomic context (GRCh38, chr5:80,744,539, plus strand): 5'-TAAAACTTGTTTTCTGGTCTTTCTTAGACTGATATGAAAACCAAAGGAAGTTTGCTGTGG[G>A]TTTTAGACCACACTAAAACTTCATTTGGGAGACGGAAGTTAAAGAAGTGGGTGACCCAGC-3'
Protein context (NP_002430.3, residues 553-573): DMKTKGSLLW[Val563Ile]LDHTKTSFGR